The following is an entry in ClinVar:

ClinVar aggregate classification (germline): Uncertain significance (1 of 4 stars; one submission).

Conditions:
Cardiac anomalies - developmental delay - facial dysmorphism syndrome (MRFACD). Also called: Impaired intellectual development and distinctive facial features with or without cardiac defects; MED13L Syndrome. Identifiers: Orphanet 369891, MedGen C5192431, MONDO:0014773, OMIM 616789.

Allele frequency attached by ClinVar (database versions not stated): TOPMed below 0.00001.

Submission:

Clinical Genomics Laboratory, Washington University in St. Louis
Classification: Uncertain significance for Cardiac anomalies - developmental delay - facial dysmorphism syndrome. Last evaluated: 2023-08-29. Review status: criteria provided, single submitter. Criteria: ACMG Guidelines, 2015. Collection method: clinical testing. Allele origin: germline.
Comment: The MED13L c.4183A>G (p.Thr1395Ala) variant, to our knowledge, has not been reported in the medical literature and is absent from the general population (gnomAD v.2.1.1), indicating it is not a common variant. This variant occurs in the leucine zipper region, a region responsible for protein dimerization, immediately adjacent to a leucine and changes a polar threonine to a nonpolar alanine. However, computational predictors suggest that the variant does not impact MED13L function. Due to limited information, and based on ACMG/AMP guidelines for variant interpretation (Richards S et al., PMID: 25741868), the clinical significance of this variant is uncertain at this time.

NM_015335.5(MED13L):c.4183A>G (p.Thr1395Ala)

Gene: MED13L (mediator complex subunit 13L; minus strand). Cytogenetic location: 12q24.21.
Variant type: single nucleotide variant.
Coding change: c.4183A>G on transcript NM_015335.5 (MANE Select); coding-DNA position 4183, A replaced by G.
Protein change: p.Thr1395Ala; replaces threonine 1395 with alanine.
Molecular consequence: missense variant.
Genome position (GRCh38, 1-based): chr12:115,986,421, T>C on the plus strand (A>G on the coding strand, the complement: MED13L is on the minus strand). VCF-style: chr12-115986421-T-C. GRCh37 (hg19) VCF-style: chr12-116424226-T-C.
Other names: short protein forms T1395A.
Identifiers: ClinVar variation 2672107 (VCV002672107.1), dbSNP rs1268946870, ClinGen allele CA386884664.